The following is an entry in ClinVar:

ClinVar aggregate classification (germline): Uncertain significance (1 of 4 stars; one submission).

gnomAD v4.1: 6 of 1,614,162 alleles (0.00037%); highest among the groups gnomAD compares: Non-Finnish European, 0.00042%; no homozygotes.

Submission:

Labcorp Genetics (formerly Invitae), Labcorp
Classification: Uncertain significance. Last evaluated: 2023-07-28. Review status: criteria provided, single submitter. Criteria: Invitae Variant Classification Sherloc (09022015). Collection method: clinical testing. Allele origin: germline.
Comment: This sequence change replaces proline, which is neutral and non-polar, with serine, which is neutral and polar, at codon 614 of the NLRP1 protein (p.Pro614Ser). In summary, the available evidence is currently insufficient to determine the role of this variant in disease. Therefore, it has been classified as a Variant of Uncertain Significance. Algorithms developed to predict the effect of missense changes on protein structure and function output the following: SIFT: "Not Available"; PolyPhen-2: "Possibly Damaging"; Align-GVGD: "Not Available". The serine amino acid residue is found in multiple mammalian species, which suggests that this missense change does not adversely affect protein function. This variant has not been reported in the literature in individuals affected with NLRP1-related conditions. This variant is not present in population databases (gnomAD no frequency).

NM_033004.4(NLRP1):c.1840C>T (p.Pro614Ser)

Gene: NLRP1 (NLR family pyrin domain containing 1; minus strand). Cytogenetic location: 17p13.2.
Variant type: single nucleotide variant.
Coding change: c.1840C>T on transcript NM_033004.4 (MANE Select); coding-DNA position 1840, C replaced by T.
Protein change: p.Pro614Ser; replaces proline 614 with serine.
Molecular consequence: missense variant.
Genome position (GRCh38, 1-based): chr17:5,558,856, G>A on the plus strand (C>T on the coding strand, the complement: NLRP1 is on the minus strand). VCF-style: chr17-5558856-G-A. GRCh37 (hg19) VCF-style: chr17-5462176-G-A.
Other names: c.1840C>T, p.Pro614Ser (NM_001033053.3, NM_014922.5, NM_033006.4 and 1 more transcripts); short protein forms P614S.
Identifiers: ClinVar variation 2745546 (VCV002745546.3), dbSNP rs2507937255, ClinGen allele CA397384386.